The following is an entry in ClinVar:

NM_182931.3(KMT2E):c.3579C>T (p.Ser1193=)

Gene: KMT2E (lysine methyltransferase 2E (inactive); plus strand). Cytogenetic location: 7q22.3.
Variant type: single nucleotide variant.
Coding change: c.3579C>T on transcript NM_182931.3 (MANE Select); coding-DNA position 3579, C replaced by T.
Protein change: p.Ser1193=; no amino-acid change (serine 1193 retained).
Molecular consequence: synonymous variant.
Genome position (GRCh38, 1-based): chr7:105,109,052, C>T. VCF-style: chr7-105109052-C-T. GRCh37 (hg19) VCF-style: chr7-104749499-C-T.
Other names: c.3579C>T, p.Ser1193= (NM_001410908.1, NM_018682.4).
Identifiers: ClinVar variation 3039759 (VCV003039759.3), dbSNP rs751973974, ClinGen allele CA4424517.

ClinVar aggregate classification (germline): Likely benign. Review status: criteria provided, single submitter (1 of 4 stars). 2 submissions from 2 submitters: Likely benign (1). 1 of the submissions does not count toward it. Last evaluated 2025-09-10.

Conditions:
KMT2E-related disorder. Also called: KMT2E-related condition.

Allele frequency attached by ClinVar (database versions not stated): gnomAD exomes below 0.00001; ExAC 0.00003; gnomAD 0.00004; TOPMed 0.00006.
gnomAD v4.1: 12 of 1,614,036 alleles (0.00074%); highest among the groups gnomAD compares: African/African-American, 0.011%; no homozygotes.

Submissions (2):

Labcorp Genetics (formerly Invitae), Labcorp
Classification: Likely benign. Last evaluated: 2025-09-10. Review status: criteria provided, single submitter. Criteria: Invitae Variant Classification Sherloc (09022015). Collection method: clinical testing. Allele origin: germline.

PreventionGenetics, part of Exact Sciences
Classification: Likely benign for KMT2E-related condition. Last evaluated: 2019-09-18. Review status: no assertion criteria provided. Collection method: clinical testing. Allele origin: germline. Not counted in ClinVar's aggregate classification.
Comment: This variant is classified as likely benign based on ACMG/AMP sequence variant interpretation guidelines (Richards et al. 2015 PMID: 25741868, with internal and published modifications).